The following is an entry in ClinVar:

ClinVar aggregate classification (germline): Uncertain significance (1 of 4 stars; one submission).

Conditions:
Glanzmann thrombasthenia 2. Also called: BLEEDING DISORDER, PLATELET-TYPE, 23. Identifiers: MedGen C5543273, MONDO:0031009, OMIM 619267.

Submission:

Neuberg Centre For Genomic Medicine, NCGM
Classification: Uncertain significance for Glanzmann thrombasthenia 2. Review status: criteria provided, single submitter. Criteria: ACMG Guidelines, 2015. Collection method: clinical testing. Allele origin: germline. Inheritance: Autosomal recessive inheritance. Affected: yes.
Comment: The observed missense variant c.1118C>T (p.Ala373Val) in ITGB3 gene has not been reported previously as a pathogenic variant nor as a benign variant, to our knowledge. The p.Ala373Val variant is absent in gnomAD. This variant has not been submitted to the ClinVar database. The amino acid change p.Ala373Val in ITGB3 is predicted as conserved by GERP++ and PhyloP across 100 vertebrates. The amino acid Ala at position 373 is changed to a Val changing protein sequence and it might alter its composition and physico-chemical properties. For these reasons, this variant has been classified as Variant of Uncertain Significance (VUS).

NM_000212.3(ITGB3):c.1118C>T (p.Ala373Val)

Gene: ITGB3 (integrin subunit beta 3; plus strand). Cytogenetic location: 17q21.32.
Variant type: single nucleotide variant.
Coding change: c.1118C>T on transcript NM_000212.3 (MANE Select); coding-DNA position 1118, C replaced by T.
Protein change: p.Ala373Val; replaces alanine 373 with valine.
Molecular consequence: missense variant.
Genome position (GRCh38, 1-based): chr17:47,290,267, C>T. VCF-style: chr17-47290267-C-T. GRCh37 (hg19) VCF-style: chr17-45367633-C-T.
Other names: short protein forms A373V.
Identifiers: ClinVar variation 3250463 (VCV003250463.1), dbSNP rs755059759.